The following is an entry in ClinVar:

ClinVar aggregate classification (germline): Uncertain significance (1 of 4 stars; one submission).

gnomAD v4.1: 2 of 1,613,824 alleles (0.00012%); highest among the groups gnomAD compares: East Asian, 0.0022%; no homozygotes.

Submission:

Labcorp Genetics (formerly Invitae), Labcorp
Classification: Uncertain significance. Last evaluated: 2024-02-24. Review status: criteria provided, single submitter. Criteria: Invitae Variant Classification Sherloc (09022015). Collection method: clinical testing. Allele origin: germline.
Comment: This sequence change replaces glutamine, which is neutral and polar, with lysine, which is basic and polar, at codon 5069 of the ADGRV1 protein (p.Gln5069Lys). This variant is not present in population databases (gnomAD no frequency). This variant has not been reported in the literature in individuals affected with ADGRV1-related conditions. ClinVar contains an entry for this variant (Variation ID: 1471739). Advanced modeling of protein sequence and biophysical properties (such as structural, functional, and spatial information, amino acid conservation, physicochemical variation, residue mobility, and thermodynamic stability) performed at Invitae indicates that this missense variant is not expected to disrupt ADGRV1 protein function with a negative predictive value of 95%. In summary, the available evidence is currently insufficient to determine the role of this variant in disease. Therefore, it has been classified as a Variant of Uncertain Significance.

NM_032119.4(ADGRV1):c.15205C>A (p.Gln5069Lys)

Gene: ADGRV1 (adhesion G protein-coupled receptor V1; plus strand). Cytogenetic location: 5q14.3.
Variant type: single nucleotide variant.
Coding change: c.15205C>A on transcript NM_032119.4 (MANE Select); coding-DNA position 15205, C replaced by A.
Protein change: p.Gln5069Lys; replaces glutamine 5069 with lysine.
Molecular consequence: missense variant. On other transcripts: non-coding transcript variant (1).
Genome position (GRCh38, 1-based): chr5:90,810,465, C>A. VCF-style: chr5-90810465-C-A. GRCh37 (hg19) VCF-style: chr5-90106282-C-A.
Other names: short protein forms Q5069K.
Identifiers: ClinVar variation 1471739 (VCV001471739.7), dbSNP rs1581195557, ClinGen allele CA360408311.